The following is an entry in ClinVar:

NM_000261.2(MYOC):c.1136T>C (p.Ile379Thr)

Gene: MYOC (myocilin; minus strand). Cytogenetic location: 1q24.3.
Variant type: single nucleotide variant.
Coding change: c.1136T>C on transcript NM_000261.2 (MANE Select); coding-DNA position 1136, T replaced by C.
Protein change: p.Ile379Thr; replaces isoleucine 379 with threonine.
Molecular consequence: missense variant.
Genome position (GRCh38, 1-based): chr1:171,636,304, A>G on the plus strand (T>C on the coding strand, the complement: MYOC is on the minus strand). VCF-style: chr1-171636304-A-G. GRCh37 (hg19) VCF-style: chr1-171605444-A-G.
Other names: NM_000261.2:c.1136T>C; short protein forms I379T.
Identifiers: ClinVar variation 2575093 (VCV002575093.2), dbSNP rs2527839096, ClinGen allele CA343724581.

ClinVar aggregate classification (germline): Uncertain significance (3 of 4 stars; one submission).

Conditions:
Open-angle glaucoma. Identifiers: MedGen C0017612, MONDO:0005338, HP:0012108.

Submission:

ClinGen Glaucoma Variant Curation Expert Panel
Classification: Uncertain significance for Open-angle glaucoma. Last evaluated: 2026-01-12. Review status: reviewed by expert panel. Criteria: ClinGen Glaucoma ACMG Specifications V2.0.0 Approved. Collection method: curation. Allele origin: germline. Inheritance: Autosomal dominant inheritance.
Comment: The c.1136T>C variant in MYOC is a missense variant predicted to cause substitution of Isoleucine by Threonine at amino acid 379 (p.Ile379Thr). This variant was not found in any genetic ancestry group of gnomAD (v4.1.0), meeting the ≤ 0.0001 threshold set for PM2_Supporting in a genetic ancestry group of at least 10,000 alleles. The REVEL score = 0.929, which was within the 0.773-0.931 range for PP3_Moderate, predicting a damaging effect on MYOC function. There was no functional evidence predicting a damaging or benign impact of this variant on MYOC function. Only 1 proband with primary open angle glaucoma had been reported (pers. comm. A Hewitt), not meeting the ≥ 2 probands threshold required to meet PS4_Supporting. In summary, this variant met the criteria to receive a score of 3 and to be classified as a variant of uncertain significance (uncertain significance classification range -1 to 5, adapted from PMID: 32720330) for primary open angle glaucoma based on the ACMG/AMP criteria met, as specified by the ClinGen Glaucoma VCEP (v2.0.0, 5 Dec 2024): PP3_Moderate, PM2_Supporting.